The following is an entry in ClinVar:

ClinVar aggregate classification (germline): Conflicting classifications of pathogenicity. Review status: criteria provided, conflicting classifications (1 of 4 stars). 2 submissions from 2 submitters: Uncertain significance (1); Likely benign (1). Last evaluated 2025-08-29.

Conditions:
Hereditary cancer-predisposing syndrome. Also called: Tumor predisposition; Neoplastic Syndromes, Hereditary; Hereditary Cancer Syndrome; Hereditary neoplastic syndrome. Identifiers: Orphanet 140162, MedGen C0027672, MeSH D009386, MONDO:0015356.

Allele frequency attached by ClinVar (database versions not stated): gnomAD 0.00001; gnomAD exomes 0.00001; TOPMed 0.00001.
gnomAD v4.1: 7 of 1,392,430 alleles (0.0005%); highest among the groups gnomAD compares: Admixed American, 0.0084%; no homozygotes.

Submissions (2):

Labcorp Genetics (formerly Invitae), Labcorp
Classification: Likely benign. Last evaluated: 2025-08-29. Review status: criteria provided, single submitter. Criteria: Invitae Variant Classification Sherloc (09022015). Collection method: clinical testing. Allele origin: germline.

Sema4
Classification: Uncertain significance for Hereditary cancer-predisposing syndrome. Last evaluated: 2021-12-29. Review status: criteria provided, single submitter. Criteria: Sema4 Curation Guidelines. Collection method: curation. Allele origin: germline.
Comment: The MSH3 c.1454-11C>T variant has not been reported in the literature to our knowledge. It was observed in 3/34320 chromosomes of the Latino subpopulation in the large and broad cohorts of the Genome Aggregation Database (PMID: 32461654). The variant has not been reported in ClinVar. This variant does not overlap a splice site and algorithms developed to predict the effect of sequence changes on RNA splicing do not suggest negative effect on normal splicing. These predictions have not been confirmed by published functional studies. There is no indication that this variant causes disease, but the evidence is insufficient currently to prove that conclusively. Thus, the clinical significance of this variant is currently uncertain.

NM_002439.5(MSH3):c.1454-11C>T

Gene: MSH3 (mutS homolog 3; plus strand). Cytogenetic location: 5q14.1.
Variant type: single nucleotide variant.
Coding change: c.1454-11C>T on transcript NM_002439.5 (MANE Select); 11 bases into the intron before coding-DNA position 1454, C replaced by T.
Molecular consequence: intron variant.
Genome position (GRCh38, 1-based): chr5:80,728,840, C>T. VCF-style: chr5-80728840-C-T. GRCh37 (hg19) VCF-style: chr5-80024659-C-T.
Identifiers: ClinVar variation 1454568 (VCV001454568.9), dbSNP rs897423429, ClinGen allele CA121293706.